The following is an entry in ClinVar:

NM_016604.4(KDM3B):c.4549C>T (p.Arg1517Ter)

Gene: KDM3B (lysine demethylase 3B; plus strand). Cytogenetic location: 5q31.2.
Variant type: single nucleotide variant.
Coding change: c.4549C>T on transcript NM_016604.4 (MANE Select); coding-DNA position 4549, C replaced by T.
Protein change: p.Arg1517Ter; replaces arginine 1517 with a stop codon.
Molecular consequence: nonsense.
Genome position (GRCh38, 1-based): chr5:138,427,235, C>T. VCF-style: chr5-138427235-C-T. GRCh37 (hg19) VCF-style: chr5-137762924-C-T.
Other names: c.4549C>T (NM_016604.3); short protein forms R1517*.
Identifiers: ClinVar variation 559561 (VCV000559561.3), dbSNP rs1554131871, ClinGen allele CA361093898.

ClinVar aggregate classification (germline): Pathogenic/Likely pathogenic. Review status: criteria provided, multiple submitters, no conflicts (2 of 4 stars). 2 submissions from 2 submitters: Pathogenic (1); Likely pathogenic (1). Last evaluated 2026-02-03.

Submissions (2):

GeneDx
Classification: Pathogenic. Last evaluated: 2026-02-03. Review status: criteria provided, single submitter. Criteria: GeneDx Variant Classification Process June 2021. Collection method: clinical testing. Allele origin: germline. Affected: yes.
Comment: Nonsense variant predicted to result in protein truncation or nonsense mediated decay in a gene for which loss of function is a known mechanism of disease; Not observed at significant frequency in large population cohorts (gnomAD); This variant is associated with the following publications: (PMID: 30929739, 30311385, 41408900)

Center for Pediatric Genomic Medicine, Children's Mercy Hospital and Clinics
Classification: Likely pathogenic. Last evaluated: 2018-06-21-05:00. Review status: criteria provided, single submitter. Criteria: ACMG Guidelines, 2015. Collection method: clinical testing. Allele origin: de novo.